The following is an entry in ClinVar:

ClinVar aggregate classification (germline): Likely benign. Review status: criteria provided, multiple submitters, no conflicts (2 of 4 stars). 2 submissions from 2 submitters: Likely benign (2). Last evaluated 2025-10-01.

Conditions:
Autosomal recessive limb-girdle muscular dystrophy type 2J (LGMDR10). Also called: MUSCULAR DYSTROPHY, LIMB-GIRDLE, AUTOSOMAL RECESSIVE 10; Limb-girdle muscular dystrophy, type 2J. Identifiers: Orphanet 140922, MedGen C1837342, MONDO:0012127, OMIM 608807.
Dilated cardiomyopathy 1G (CMD1G). Identifiers: Orphanet 154, MedGen C1858763, MONDO:0011400, OMIM 604145.

Allele frequency attached by ClinVar (database versions not stated): ExAC 0.00001; gnomAD 0.00001.
gnomAD v4.1: 1 of 1,576,978 alleles (0.000063%); highest among the groups gnomAD compares: Admixed American, 0.0019%; no homozygotes.

Submissions (2):

Labcorp Genetics (formerly Invitae), Labcorp
Classification: Likely benign for Dilated cardiomyopathy 1G; Autosomal recessive limb-girdle muscular dystrophy type 2J. Last evaluated: 2025-10-01. Review status: criteria provided, single submitter. Criteria: Invitae Variant Classification Sherloc (09022015). Collection method: clinical testing. Allele origin: germline.

GeneDx
Classification: Likely benign. Last evaluated: 2017-11-28. Review status: criteria provided, single submitter. Criteria: GeneDx Variant Classification (06012015). Collection method: clinical testing. Allele origin: germline. Affected: yes.
Comment: This variant is considered likely benign or benign based on one or more of the following criteria: it is a conservative change, it occurs at a poorly conserved position in the protein, it is predicted to be benign by multiple in silico algorithms, and/or has population frequency not consistent with disease.

NM_001267550.2(TTN):c.69822C>T (p.Gly23274=)

Genes: TTN (titin; minus strand), TTN-AS1 (TTN antisense RNA 1; plus strand), LOC126806422 (BRD4-independent group 4 enhancer GRCh37_chr2:179440205-179441404; plus strand). Cytogenetic location: 2q31.2.
Variant type: single nucleotide variant.
Coding change: c.69822C>T on transcript NM_001267550.2 (MANE Select); coding-DNA position 69822, C replaced by T.
Protein change: p.Gly23274=; no amino-acid change (glycine 23274 retained).
Molecular consequence: synonymous variant.
Genome position (GRCh38, 1-based): chr2:178,576,310, G>A on the plus strand (C>T on the coding strand, the complement: TTN is on the minus strand). VCF-style: chr2-178576310-G-A. GRCh37 (hg19) VCF-style: chr2-179441037-G-A.
Other names: c.64899C>T, p.Gly21633= (NM_001256850.1); c.42627C>T, p.Gly14209= (NM_003319.4); c.62118C>T, p.Gly20706= (NM_133378.4); c.43002C>T, p.Gly14334= (NM_133432.3); c.43203C>T, p.Gly14401= (NM_133437.4).
Identifiers: ClinVar variation 513806 (VCV000513806.4), dbSNP rs757102551, ClinGen allele CA1990871.